The following is an entry in ClinVar:

ClinVar aggregate classification (germline): Pathogenic. Review status: criteria provided, single submitter (1 of 4 stars). 2 submissions from 2 submitters: Pathogenic (1). 1 of the submissions does not count toward it. Last evaluated 2026-01-05.

Allele frequency attached by ClinVar (database versions not stated): TOPMed 0.00001.

Submissions (2):

Labcorp Genetics (formerly Invitae), Labcorp
Classification: Pathogenic. Last evaluated: 2026-01-05. Review status: criteria provided, single submitter. Criteria: Invitae Variant Classification Sherloc (09022015). Collection method: clinical testing. Allele origin: germline.
Comment: This sequence change creates a premature translational stop signal (p.Gln379Argfs*13) in the DDX59 gene. It is expected to result in an absent or disrupted protein product. Loss-of-function variants in DDX59 are known to be pathogenic (PMID: 29127725). This variant is not present in population databases (gnomAD no frequency). This variant has not been reported in the literature in individuals affected with DDX59-related conditions. ClinVar contains an entry for this variant (Variation ID: 591043). Algorithms developed to predict the effect of sequence changes on RNA splicing suggest that this variant may disrupt the consensus splice site. For these reasons, this variant has been classified as Pathogenic.

Gharavi Laboratory, Columbia University
Classification: Uncertain significance. Last evaluated: 2018-09-16. Review status: no assertion criteria provided. Criteria: ACMG Guidelines, 2015. Collection method: research. Allele origin: germline. Affected: yes. Not counted in ClinVar's aggregate classification.

Literature cited by the submitters: PubMed 29127725 (cited by Labcorp Genetics (formerly Invitae), Labcorp).

NM_001031725.6(DDX59):c.1136del (p.Gln379fs)

Gene: DDX59 (DEAD-box helicase 59; minus strand). Cytogenetic location: 1q32.1.
Variant type: Deletion.
Coding change: c.1136del on transcript NM_001031725.6 (MANE Select); coding-DNA position 1136, one base deleted (A; older notation c.1136delA).
Protein change: p.Gln379fs; shifts the reading frame from glutamine 379.
Molecular consequence: frameshift variant. On other transcripts: intron variant (3).
Genome position (GRCh38, 1-based): chr1:200,650,603, T deleted on the plus strand (A on the coding strand, the reverse complement: DDX59 is on the minus strand). VCF-style (leftmost placement, unchanged base first): chr1-200650602-CT-C. GRCh37 (hg19) VCF-style: chr1-200619730-CT-C.
Other names: c.1136del, p.Gln379fs (NM_001320181.2, NM_001349799.3, NM_001349800.3 and 2 more transcripts); c.1063-6086del (NM_001349804.2); c.1063-1377del (NM_001349803.3); c.973-1377del (NM_001320182.1); short protein forms Q379fs.
Identifiers: ClinVar variation 591043 (VCV000591043.3), dbSNP rs1403300887, ClinGen allele CA730058645.